The following is an entry in ClinVar:

ClinVar aggregate classification (germline): Uncertain significance (1 of 4 stars; one submission).

Conditions:
Familial hemophagocytic lymphohistiocytosis 4 (FHL4). Also called: STX11-Related Familial Hemophagocytic Lymphohistiocytosis (STX11-fHLH). Identifiers: Orphanet 540, MedGen C1863728, MONDO:0011336, OMIM 603552.

Allele frequency attached by ClinVar (database versions not stated): gnomAD exomes 0.00001 and 0.00003; gnomAD 0.00005; TOPMed 0.00005.
gnomAD v4.1: 15 of 1,612,042 alleles (0.00093%); highest among the groups gnomAD compares: Admixed American, 0.025%; no homozygotes.

Submission:

Labcorp Genetics (formerly Invitae), Labcorp
Classification: Uncertain significance for Familial hemophagocytic lymphohistiocytosis 4. Last evaluated: 2019-10-24. Review status: criteria provided, single submitter. Criteria: Invitae Variant Classification Sherloc (09022015). Collection method: clinical testing. Allele origin: germline.
Comment: This sequence change disrupts the translational stop signal of the STX11 mRNA. It is expected to extend the length of the STX11 protein by 41 additional amino acid residues. This variant is not present in population databases (ExAC no frequency). This variant has not been reported in the literature in individuals with STX11-related conditions. Experimental studies and prediction algorithms are not available or were not evaluated, and the functional significance of this variant is currently unknown. In summary, the available evidence is currently insufficient to determine the role of this variant in disease. Therefore, it has been classified as a Variant of Uncertain Significance.

NM_003764.4(STX11):c.863A>G (p.Ter288Trp)

Gene: STX11 (syntaxin 11; plus strand). Cytogenetic location: 6q24.2.
Variant type: single nucleotide variant.
Coding change: c.863A>G on transcript NM_003764.4 (MANE Select); coding-DNA position 863, A replaced by G.
Protein change: p.Ter288Trp.
Molecular consequence: stop lost.
Genome position (GRCh38, 1-based): chr6:144,187,490, A>G. VCF-style: chr6-144187490-A-G. GRCh37 (hg19) VCF-style: chr6-144508627-A-G.
Other names: *288W.
Identifiers: ClinVar variation 968087 (VCV000968087.5), dbSNP rs1175891876, ClinGen allele CA365950281.